The following is an entry in ClinVar:

ClinVar aggregate classification (germline): Benign/Likely benign. Review status: criteria provided, multiple submitters, no conflicts (2 of 4 stars). 31 submissions from 24 submitters: Benign (17); Likely benign (7). 7 of the submissions do not count toward it. Last evaluated 2026-09-01.

Conditions:
TTN-related disorder. Also called: TTN-related disorders; TTN-related condition; TTN-related disease.
Ventricular tachycardia. Identifiers: MedGen C0042514, MONDO:0005477, HP:0004756.
Cardiomyopathy (CMYO). Also called: Cardiomyopathies. Identifiers: Orphanet 167848, MedGen C0878544, MONDO:0004994, HP:0001638. Inheritance: Various modes of inheritance.
Hypertrophic cardiomyopathy. Also called: HYPERTROPHIC MYOCARDIOPATHY. Identifiers: Orphanet 217569, MedGen C0007194, MeSH D002312, MONDO:0005045, HP:0001639.
Dilated cardiomyopathy 1G (CMD1G). Identifiers: Orphanet 154, MedGen C1858763, MONDO:0011400, OMIM 604145.
Autosomal recessive limb-girdle muscular dystrophy type 2J (LGMDR10). Also called: MUSCULAR DYSTROPHY, LIMB-GIRDLE, AUTOSOMAL RECESSIVE 10; Limb-girdle muscular dystrophy, type 2J. Identifiers: Orphanet 140922, MedGen C1837342, MONDO:0012127, OMIM 608807.
Cardiovascular phenotype. Identifiers: MedGen CN230736.
Early-onset myopathy with fatal cardiomyopathy (CMYO5). Also called: CONGENITAL MYOPATHY 5 WITH CARDIOMYOPATHY; Salih Myopathy. Identifiers: Orphanet 289377, MedGen C2673677, MONDO:0012714, OMIM 611705. Disease mechanism: loss of function.
Myopathy, myofibrillar, 9, with early respiratory failure (MFM9). Also called: Myopathy, distal, with early respiratory failure, autosomal dominant; Hereditary myopathy with early respiratory failure; MYOPATHY, PROXIMAL, WITH EARLY RESPIRATORY MUSCLE INVOLVEMENT; EDSTROM MYOPATHY. Identifiers: Orphanet 178464, Orphanet 34521, MedGen C1863599, MONDO:0011362, OMIM 603689.
Tibial muscular dystrophy (TMD). Also called: Udd Distal Myopathy – Tibial Muscular Dystrophy; Tibial muscular dystrophy, tardive; UDD MYOPATHY. Identifiers: Orphanet 609, MedGen C1838244, MONDO:0010870, OMIM 600334.

Allele frequency attached by ClinVar (database versions not stated): gnomAD 0.00519 and 0.00536; 1000 Genomes Project 0.00300; 1000 Genomes Project 30x 0.00344; TOPMed 0.00525; ESP Exome Variant Server 0.00656; gnomAD exomes 0.00680; ExAC 0.01130.
gnomAD v4.1: 10,140 of 1,582,756 alleles (0.64%); highest among the groups gnomAD compares: Middle Eastern, 1.5%; 56 homozygotes.

Submissions 1 to 20 of 31:

CeGaT Center for Human Genetics Tuebingen
Classification: Benign. Last evaluated: 2026-09-01. Review status: criteria provided, single submitter. Criteria: CeGaT Center For Human Genetics Tuebingen Variant Classification Criteria Version 2. Collection method: clinical testing. Allele origin: germline. Affected: yes. Observed: 148 variant alleles.
Comment: TTN: BP4, BS1, BS2

Labcorp Genetics (formerly Invitae), Labcorp
Classification: Benign for Dilated cardiomyopathy 1G; Autosomal recessive limb-girdle muscular dystrophy type 2J. Last evaluated: 2026-02-04. Review status: criteria provided, single submitter. Criteria: Invitae Variant Classification Sherloc (09022015). Collection method: clinical testing. Allele origin: germline.

ARUP Laboratories, Molecular Genetics and Genomics, ARUP Laboratories
Classification: Benign. Last evaluated: 2025-06-02. Review status: criteria provided, single submitter. Criteria: ARUP Molecular Germline Variant Investigation Process 2024. Collection method: clinical testing. Allele origin: germline.

Molecular Diagnostic Laboratory for Inherited Cardiovascular Disease, Montreal Heart Institute
Classification: Likely benign. Last evaluated: 2025-04-09. Review status: criteria provided, single submitter. Criteria: ACMG Guidelines, 2015. Collection method: clinical testing. Allele origin: germline. Affected: no.

Blueprint Genetics
Classification: Likely benign. Last evaluated: 2024-11-26. Review status: criteria provided, single submitter. Criteria: ACMG Guidelines, 2015. Collection method: clinical testing. Allele origin: germline.

Genome-Nilou Lab
Classification: Benign for Autosomal recessive limb-girdle muscular dystrophy type 2J. Last evaluated: 2021-09-10. Review status: criteria provided, single submitter. Criteria: ACMG Guidelines, 2015. Collection method: clinical testing. Allele origin: germline. Affected: no.

Genome-Nilou Lab
Classification: Benign for Myopathy, myofibrillar, 9, with early respiratory failure. Last evaluated: 2021-09-10. Review status: criteria provided, single submitter. Criteria: ACMG Guidelines, 2015. Collection method: clinical testing. Allele origin: germline. Affected: no.

Genome-Nilou Lab
Classification: Benign for Early-onset myopathy with fatal cardiomyopathy. Last evaluated: 2021-09-10. Review status: criteria provided, single submitter. Criteria: ACMG Guidelines, 2015. Collection method: clinical testing. Allele origin: germline. Affected: no.

Genome-Nilou Lab
Classification: Benign for Tibial muscular dystrophy. Last evaluated: 2021-09-10. Review status: criteria provided, single submitter. Criteria: ACMG Guidelines, 2015. Collection method: clinical testing. Allele origin: germline. Affected: no.

Women's Health and Genetics/Laboratory Corporation of America, LabCorp
Classification: Likely benign. Last evaluated: 2020-11-17. Review status: criteria provided, single submitter. Criteria: LabCorp Variant Classification Summary - May 2015. Collection method: clinical testing. Allele origin: germline.

Center for Advanced Laboratory Medicine, UC San Diego Health, University of California San Diego
Classification: Benign for Ventricular tachycardia; Cardiomyopathy; Hypertrophic cardiomyopathy. Last evaluated: 2019-03-26. Review status: criteria provided, single submitter. Criteria: ACMG Guidelines, 2015. Collection method: clinical testing. Allele origin: germline. Affected: yes. Observed: 6 variant alleles.

Mayo Clinic Laboratories, Mayo Clinic
Classification: Benign. Last evaluated: 2018-03-14. Review status: criteria provided, single submitter. Criteria: ACMG Guidelines, 2015. Collection method: clinical testing. Allele origin: germline. Observed: 31 variant alleles.

Illumina Laboratory Services, Illumina
Classification: Likely benign for Early-onset myopathy with fatal cardiomyopathy. Last evaluated: 2018-01-13. Review status: criteria provided, single submitter. Criteria: ICSL Variant Classification Criteria 13 December 2019. Collection method: clinical testing. Allele origin: germline.
Comment: This variant was observed in the ICSL laboratory as part of a predisposition screen in an ostensibly healthy population. It had not been previously curated by ICSL or reported in the Human Gene Mutation Database (HGMD: prior to June 1st, 2018), and was therefore a candidate for classification through an automated scoring system. Utilizing variant allele frequency, disease prevalence and penetrance estimates, and inheritance mode, an automated score was calculated to assess if this variant is too frequent to cause the disease. Based on the score and internal cut-off values, a variant classified as likely benign is not then subjected to further curation. The score for this variant resulted in a classification of likely benign for this disease.

Illumina Laboratory Services, Illumina
Classification: Benign for Myopathy, myofibrillar, 9, with early respiratory failure. Last evaluated: 2018-01-13. Review status: criteria provided, single submitter. Criteria: ICSL Variant Classification Criteria 13 December 2019. Collection method: clinical testing. Allele origin: germline.
Comment: This variant was observed in the ICSL laboratory as part of a predisposition screen in an ostensibly healthy population. It had not been previously curated by ICSL or reported in the Human Gene Mutation Database (HGMD: prior to June 1st, 2018), and was therefore a candidate for classification through an automated scoring system. Utilizing variant allele frequency, disease prevalence and penetrance estimates, and inheritance mode, an automated score was calculated to assess if this variant is too frequent to cause the disease. Based on the score and internal cut-off values, a variant classified as benign is not then subjected to further curation. The score for this variant resulted in a classification of benign for this disease.

Illumina Laboratory Services, Illumina
Classification: Benign for Tibial muscular dystrophy. Last evaluated: 2018-01-13. Review status: criteria provided, single submitter. Criteria: ICSL Variant Classification Criteria 13 December 2019. Collection method: clinical testing. Allele origin: germline.
Comment: the same text as in the submission from Illumina Laboratory Services, Illumina above.

Illumina Laboratory Services, Illumina
Classification: Likely benign for Dilated cardiomyopathy 1G. Last evaluated: 2018-01-13. Review status: criteria provided, single submitter. Criteria: ICSL Variant Classification Criteria 13 December 2019. Collection method: clinical testing. Allele origin: germline.
Comment: the same text as in the submission from Illumina Laboratory Services, Illumina above.

Illumina Laboratory Services, Illumina
Classification: Likely benign for Autosomal recessive limb-girdle muscular dystrophy type 2J. Last evaluated: 2018-01-13. Review status: criteria provided, single submitter. Criteria: ICSL Variant Classification Criteria 13 December 2019. Collection method: clinical testing. Allele origin: germline.
Comment: the same text as in the submission from Illumina Laboratory Services, Illumina above.

CHEO Genetics Diagnostic Laboratory, Children's Hospital of Eastern Ontario
Classification: Benign for Cardiomyopathy. Last evaluated: 2016-11-21. Review status: criteria provided, single submitter. Criteria: ACMG Guidelines, 2015. Collection method: clinical testing. Allele origin: germline. Study: Canadian Open Genetics Repository.

GeneDx
Classification: Benign. Last evaluated: 2016-06-28. Review status: criteria provided, single submitter. Criteria: GeneDx Variant Classification (06012015). Collection method: clinical testing. Allele origin: germline. Affected: yes.
Comment: This variant is considered likely benign or benign based on one or more of the following criteria: it is a conservative change, it occurs at a poorly conserved position in the protein, it is predicted to be benign by multiple in silico algorithms, and/or has population frequency not consistent with disease.

Eurofins Ntd Llc (ga)
Classification: Benign. Last evaluated: 2015-07-02. Review status: criteria provided, single submitter. Criteria: EGL Classification Definitions 2015. Collection method: clinical testing. Allele origin: germline. Observed: 1 variant allele, 1 heterozygote.

NM_001267550.2(TTN):c.47723G>A (p.Arg15908His)

Genes: TTN (titin; minus strand), TTN-AS1 (TTN antisense RNA 1; plus strand). Cytogenetic location: 2q31.2.
Variant type: single nucleotide variant.
Coding change: c.47723G>A on transcript NM_001267550.2 (MANE Select); coding-DNA position 47723, G replaced by A.
Protein change: p.Arg15908His; replaces arginine 15908 with histidine.
Molecular consequence: missense variant.
Genome position (GRCh38, 1-based): chr2:178,617,362, C>T on the plus strand (G>A on the coding strand, the complement: TTN is on the minus strand). VCF-style: chr2-178617362-C-T. GRCh37 (hg19) VCF-style: chr2-179482089-C-T.
Other names: p.R13340H:CGT>CAT; c.42800G>A, p.Arg14267His (NM_001256850.1); c.20528G>A, p.Arg6843His (NM_003319.4); c.40019G>A, p.Arg13340His (NM_133378.4); c.20903G>A, p.Arg6968His (NM_133432.3); c.21104G>A, p.Arg7035His (NM_133437.4); short protein forms R15908H, R13340H, R14267H, R6968H, R7035H, R6843H.
Identifiers: ClinVar variation 47015 (VCV000047015.80), dbSNP rs72677237, ClinGen allele CA139767.